The following is an entry in ClinVar:

ClinVar aggregate classification (germline): Pathogenic (1 of 4 stars; one submission).

Conditions:
Inborn genetic diseases. Identifiers: MedGen C0950123, MeSH D030342.

Submission:

Ambry Genetics
Classification: Pathogenic for Inborn genetic diseases. Last evaluated: 2025-05-14. Review status: criteria provided, single submitter. Criteria: Ambry Variant Classification Scheme 2023. Collection method: clinical testing. Allele origin: germline.
Comment: The c.2590C>T (p.Q864*) alteration, located in exon 21 (coding exon 21) of the DIP2C gene, consists of a C to T substitution at nucleotide position 2590. This changes the amino acid from a glutamine (Q) to a stop codon at amino acid position 864. This alteration is expected to result in loss of function by premature protein truncation or nonsense-mediated mRNA decay. This variant was not reported in population-based cohorts in the Genome Aggregation Database (gnomAD). Based on the available evidence, this alteration is classified as pathogenic.

NM_014974.3(DIP2C):c.2590C>T (p.Gln864Ter)

Gene: DIP2C (disco interacting protein 2 homolog C; minus strand). Cytogenetic location: 10p15.3.
Variant type: single nucleotide variant.
Coding change: c.2590C>T on transcript NM_014974.3 (MANE Select); coding-DNA position 2590, C replaced by T.
Protein change: p.Gln864Ter; replaces glutamine 864 with a stop codon.
Molecular consequence: nonsense.
Genome position (GRCh38, 1-based): chr10:363,199, G>A on the plus strand (C>T on the coding strand, the complement: DIP2C is on the minus strand). VCF-style: chr10-363199-G-A. GRCh37 (hg19) VCF-style: chr10-409139-G-A.
Other names: short protein forms Q864*.
Identifiers: ClinVar variation 4011773 (VCV004011773.1).